The following is an entry in ClinVar:

ClinVar aggregate classification (germline): Conflicting classifications of pathogenicity. Review status: criteria provided, conflicting classifications (1 of 4 stars). 4 submissions from 4 submitters: Uncertain significance (1); Benign (1); Likely benign (1). 1 of the submissions does not count toward it. Last evaluated 2025-12-09.

Conditions:
FG syndrome (FGS). Identifiers: MedGen C0220769, MONDO:0002010.
MED12-Related Disorders. Also called: MED12-related condition; MED12-related disorder. Identifiers: MedGen CN381102.
Familial thoracic aortic aneurysm and aortic dissection (TAAD). Also called: Thoracic aortic aneurysms and dissections. Identifiers: Orphanet 91387, MedGen C4707243, MONDO:0019625.

Submissions (4):

Labcorp Genetics (formerly Invitae), Labcorp
Classification: Uncertain significance for FG syndrome. Last evaluated: 2025-12-09. Review status: criteria provided, single submitter. Criteria: Invitae Variant Classification Sherloc (09022015). Collection method: clinical testing. Allele origin: germline.
Comment: This variant, c.6256_6258del, results in the deletion of 1 amino acid(s) of the MED12 protein (p.Gln2086del), but otherwise preserves the integrity of the reading frame. The frequency data for this variant in the population databases is considered unreliable, as metrics indicate poor data quality at this position in the gnomAD database. This variant has been observed in individual(s) with clinical features of MED12-related conditions (PMID: 34356170). In at least one individual the variant was observed to be de novo. ClinVar contains an entry for this variant (Variation ID: 213650). Experimental studies and prediction algorithms are not available or were not evaluated, and the functional significance of this variant is currently unknown. In summary, the available evidence is currently insufficient to determine the role of this variant in disease. Therefore, it has been classified as a Variant of Uncertain Significance.

Ambry Genetics
Classification: Likely benign for Familial thoracic aortic aneurysm and aortic dissection. Last evaluated: 2022-10-25. Review status: criteria provided, single submitter. Criteria: Ambry Variant Classification Scheme 2023. Collection method: clinical testing. Allele origin: germline.

GeneDx
Classification: Benign. Last evaluated: 2020-11-12. Review status: criteria provided, single submitter. Criteria: GeneDx Variant Classification Process June 2021. Collection method: clinical testing. Allele origin: germline. Affected: yes.

PreventionGenetics, part of Exact Sciences
Classification: Likely benign for MED12-related condition. Last evaluated: 2020-12-22. Review status: no assertion criteria provided. Collection method: clinical testing. Allele origin: germline. Not counted in ClinVar's aggregate classification.
Comment: This variant is classified as likely benign based on ACMG/AMP sequence variant interpretation guidelines (Richards et al. 2015 PMID: 25741868, with internal and published modifications).

Literature cited by the submitters: PubMed 34356170 (cited by Labcorp Genetics (formerly Invitae), Labcorp).

NM_005120.3(MED12):c.6241CAG[5] (p.Gln2086del)

Gene: MED12 (mediator complex subunit 12; plus strand). Cytogenetic location: Xq13.1.
Variant type: Microsatellite.
Coding change: c.6241CAG[5] on transcript NM_005120.3 (MANE Select); five copies in a row of the 3-base unit CAG starting at c.6241; the reference has six copies in a row; one copy, 3 bases deleted; also written c.6256_6258del.
Protein change: p.Gln2086del; deletes glutamine 2086.
Molecular consequence: inframe deletion.
Genome position (GRCh38, 1-based): chrX:71,140,846-71,140,848, CAG deleted; deleting any 3 consecutive bases within chrX:71,140,830-71,140,848 gives the same sequence; the position shown is the placement nearest the transcript's 3' end. VCF-style (leftmost placement, unchanged base first): chrX-71140829-GGCA-G. GRCh37 (hg19) VCF-style: chrX-70360679-GGCA-G.
Other names: c.6256_6258del (NM_005120.2); short protein forms Q2086del.
Identifiers: ClinVar variation 213650 (VCV000213650.15), dbSNP rs786200971, ClinGen allele CA322929.